The following is an entry in ClinVar:

ClinVar aggregate classification (germline): Conflicting classifications of pathogenicity. Review status: criteria provided, conflicting classifications (1 of 4 stars). 9 submissions from 9 submitters: Uncertain significance (1); Likely benign (6). 2 of the submissions do not count toward it. Last evaluated 2026-01-31.

Conditions:
LPL-related disorder. Also called: LPL-related condition.
Cardiovascular phenotype. Identifiers: MedGen CN230736.
Hyperlipoproteinemia, type I. Also called: Hyperlipoproteinemia type 1; Hyperchylomicro-nemia familial; Familial chylomicronemia; Hyperlipemia idiopathic Burger-Grutz type; Lipase D deficiency; Familial Lipoprotein Lipase Deficiency. Identifiers: Orphanet 309015, Orphanet 444490, MedGen C0023817, MONDO:0009387, OMIM 238600. Disease mechanism: loss of function.

Allele frequency attached by ClinVar (database versions not stated): ExAC 0.00081; TOPMed 0.00099; ESP Exome Variant Server 0.00108; gnomAD exomes 0.00133 and 0.00080; 1000 Genomes Project 30x 0.00016; 1000 Genomes Project 0.00020; gnomAD 0.00066.
gnomAD v4.1: 2,029 of 1,614,144 alleles (0.13%); highest among the groups gnomAD compares: Non-Finnish European, 0.16%; 3 homozygotes.

Submissions (9):

Labcorp Genetics (formerly Invitae), Labcorp
Classification: Likely benign. Last evaluated: 2026-01-31. Review status: criteria provided, single submitter. Criteria: Invitae Variant Classification Sherloc (09022015). Collection method: clinical testing. Allele origin: germline.

Molecular Diagnostic Laboratory for Inherited Cardiovascular Disease, Montreal Heart Institute
Classification: Likely benign. Last evaluated: 2025-04-09. Review status: criteria provided, single submitter. Criteria: ACMG Guidelines, 2015. Collection method: clinical testing. Allele origin: germline. Affected: no.

Blueprint Genetics
Classification: Likely benign. Last evaluated: 2024-10-30. Review status: criteria provided, single submitter. Criteria: ACMG Guidelines, 2015. Collection method: clinical testing. Allele origin: germline.

Ambry Genetics
Classification: Likely benign for Cardiovascular phenotype. Last evaluated: 2021-03-10. Review status: criteria provided, single submitter. Criteria: Ambry Variant Classification Scheme 2023. Collection method: clinical testing. Allele origin: germline.

GeneDx
Classification: Likely benign. Last evaluated: 2020-11-03. Review status: criteria provided, single submitter. Criteria: GeneDx Variant Classification Process June 2021. Collection method: clinical testing. Allele origin: germline. Affected: yes.
Comment: This variant is associated with the following publications: (PMID: 22923420)

Women's Health and Genetics/Laboratory Corporation of America, LabCorp
Classification: Likely benign. Last evaluated: 2019-08-28. Review status: criteria provided, single submitter. Criteria: LabCorp Variant Classification Summary - May 2015. Collection method: clinical testing. Allele origin: germline.

Illumina Laboratory Services, Illumina
Classification: Uncertain significance for Hyperlipoproteinemia, type I. Last evaluated: 2018-01-12. Review status: criteria provided, single submitter. Criteria: ICSL Variant Classification Criteria 13 December 2019. Collection method: clinical testing. Allele origin: germline.

PreventionGenetics, part of Exact Sciences
Classification: Likely benign for LPL-related condition. Last evaluated: 2021-09-13. Review status: no assertion criteria provided. Collection method: clinical testing. Allele origin: germline. Not counted in ClinVar's aggregate classification.
Comment: This variant is classified as likely benign based on ACMG/AMP sequence variant interpretation guidelines (Richards et al. 2015 PMID: 25741868, with internal and published modifications).

Natera, Inc.
Classification: Likely benign for Lipoprotein lipase deficiency. Last evaluated: 2020-09-16. Review status: no assertion criteria provided. Collection method: clinical testing. Allele origin: germline. Not counted in ClinVar's aggregate classification.

NM_000237.3(LPL):c.786G>A (p.Gln262=)

Gene: LPL (lipoprotein lipase; plus strand). Cytogenetic location: 8p21.3.
Variant type: single nucleotide variant.
Coding change: c.786G>A on transcript NM_000237.3 (MANE Select); coding-DNA position 786, G replaced by A.
Protein change: p.Gln262=; no amino-acid change (glutamine 262 retained).
Molecular consequence: synonymous variant.
Genome position (GRCh38, 1-based): chr8:19,955,851, G>A. VCF-style: chr8-19955851-G-A. GRCh37 (hg19) VCF-style: chr8-19813362-G-A.
Identifiers: ClinVar variation 362412 (VCV000362412.24), dbSNP rs140986245, ClinGen allele CA4655535.